The following is an entry in ClinVar:

NM_014855.3(AP5Z1):c.1430C>T (p.Thr477Met)

Gene: AP5Z1 (adaptor related protein complex 5 subunit zeta 1; plus strand). Cytogenetic location: 7p22.1.
Variant type: single nucleotide variant.
Coding change: c.1430C>T on transcript NM_014855.3 (MANE Select); coding-DNA position 1430, C replaced by T.
Protein change: p.Thr477Met; replaces threonine 477 with methionine.
Molecular consequence: missense variant. On other transcripts: non-coding transcript variant (1).
Genome position (GRCh38, 1-based): chr7:4,787,752, C>T. VCF-style: chr7-4787752-C-T. GRCh37 (hg19) VCF-style: chr7-4827383-C-T.
Other names: c.962C>T, p.Thr321Met (NM_001364858.1); short protein forms T477M, T321M.
Identifiers: ClinVar variation 959297 (VCV000959297.7), dbSNP rs375742671, ClinGen allele CA153029343.

ClinVar aggregate classification (germline): Uncertain significance (1 of 4 stars; one submission).

Conditions:
Hereditary spastic paraplegia 48. Also called: Spastic paraplegia 48; SPASTIC PARAPLEGIA 48, AUTOSOMAL RECESSIVE. Identifiers: Orphanet 306511, MedGen C3150901, MONDO:0013342, OMIM 613647.

Allele frequency attached by ClinVar (database versions not stated): gnomAD exomes 0.00002 and 0.00003; gnomAD 0.00003 and 0.00004; TOPMed 0.00004; ESP Exome Variant Server 0.00008.
gnomAD v4.1: 49 of 1,542,138 alleles (0.0032%); highest among the groups gnomAD compares: African/African-American, 0.0082%; no homozygotes.

Submission:

Labcorp Genetics (formerly Invitae), Labcorp
Classification: Uncertain significance for Hereditary spastic paraplegia 48. Last evaluated: 2022-10-04. Review status: criteria provided, single submitter. Criteria: Invitae Variant Classification Sherloc (09022015). Collection method: clinical testing. Allele origin: germline.
Comment: This sequence change replaces threonine, which is neutral and polar, with methionine, which is neutral and non-polar, at codon 477 of the AP5Z1 protein (p.Thr477Met). The frequency data for this variant in the population databases is considered unreliable, as metrics indicate poor data quality at this position in the gnomAD database. This variant has not been reported in the literature in individuals affected with AP5Z1-related conditions. ClinVar contains an entry for this variant (Variation ID: 959297). Advanced modeling of protein sequence and biophysical properties (such as structural, functional, and spatial information, amino acid conservation, physicochemical variation, residue mobility, and thermodynamic stability) has been performed at Invitae for this missense variant, however the output from this modeling did not meet the statistical confidence thresholds required to predict the impact of this variant on AP5Z1 protein function. In summary, the available evidence is currently insufficient to determine the role of this variant in disease. Therefore, it has been classified as a Variant of Uncertain Significance.